The following is an entry in ClinVar:

NM_000059.4(BRCA2):c.8162T>A (p.Leu2721His)

Gene: BRCA2 (BRCA2 DNA repair associated; plus strand). Cytogenetic location: 13q13.1.
Variant type: single nucleotide variant.
Coding change: c.8162T>A on transcript NM_000059.4 (MANE Select); coding-DNA position 8162, T replaced by A.
Protein change: p.Leu2721His; replaces leucine 2721 with histidine.
Molecular consequence: missense variant.
Genome position (GRCh38, 1-based): chr13:32,363,364, T>A. VCF-style: chr13-32363364-T-A. GRCh37 (hg19) VCF-style: chr13-32937501-T-A.
Other names: NM_000059.4(BRCA2):c.8162T>A; p.Leu2721His; short protein forms L2721H.
Identifiers: ClinVar variation 52513 (VCV000052513.25), dbSNP rs80359061, ClinGen allele CA025477.

ClinVar aggregate classification (germline): Likely pathogenic. Review status: reviewed by expert panel (3 of 4 stars). 8 submissions from 8 submitters: Likely pathogenic (1). 7 of the submissions do not count toward it. Last evaluated 2026-01-04.

Conditions:
BRCA2-related cancer predisposition. Identifiers: MedGen CN377758, MONDO:0700269.
Hereditary cancer-predisposing syndrome. Also called: Hereditary neoplastic syndrome; Tumor predisposition; Hereditary Cancer Syndrome; Neoplastic Syndromes, Hereditary. Identifiers: Orphanet 140162, MedGen C0027672, MeSH D009386, MONDO:0015356.
Hereditary breast ovarian cancer syndrome. Also called: Hereditary breast and/or ovarian cancer syndrome; Breast and ovarian cancer; Hereditary breast and ovarian cancer; Hereditary breast and ovarian cancer syndrome (HBOC); Hereditary breast and ovarian cancer syndrome; BRCA1- and BRCA2-Associated Hereditary Breast and Ovarian Cancer. Identifiers: Orphanet 145, MedGen C0677776, MeSH D061325, MONDO:0003582. Disease mechanism: loss of function.
Breast-ovarian cancer, familial, susceptibility to, 2 (BROVCA2). Also called: BRCA2 Hereditary Breast and Ovarian Cancer. Identifiers: Orphanet 145, MedGen C2675520, MONDO:0012933, OMIM 612555. Disease mechanism: loss of function.

Submissions (8):

ClinGen ENIGMA BRCA1 and BRCA2 Variant Curation Expert Panel, ClinGen
Classification: Likely pathogenic for BRCA2-related cancer predisposition. Last evaluated: 2026-01-04. Review status: reviewed by expert panel. Criteria: CSpec BRCA12ACMG Rules Specifications V1.1. Collection method: curation. Allele origin: germline. Inheritance: Autosomal dominant inheritance.
Comment: The c.8162T>A variant in BRCA2 is a missense variant predicted to cause substitution of Leucine by Histidine at amino acid 2721 (p.(Leu2721His)). This variant is absent from gnomAD v2.1 (exomes only, non-cancer subset, read depth ≥25) and gnomAD v3.1 (non-cancer subset, read depth ≥25) (PM2_Supporting met). This BRCA2 missense variant is within a key functional domain and the computational predictor BayesDel (noAF) gives a score of 0.34, above the recommended threshold of 0.30 for prediction of impact on BRCA2 function via protein change. A SpliceAI score of 0 predicts no impact on splicing (score threshold <0.10) (PP3 met). Multifactorial likelihood ratio analysis using clinically calibrated data produced a combined LR for this variant of 2.39 (based on Family History LR=2.39), within the thresholds for supporting evidence towards pathogenicity (LR >2.08 & ≤4.3) (PP4 met; PMID: 31853058). Reported by six calibrated studies to exhibit protein function similar to pathogenic control variants (PMIDs: 38417439, 32444794, 39779857, 39779848, 33293522, 29988080) (PS3 met). mRNA experimental analysis indicates no impact on splicing (Internal lab contributor) but is not applied as strong evidence against pathogenicity since missense impact has not been excluded (BP7_Strong (RNA) not met). In summary, this variant meets the criteria to be classified as a Likely pathogenic variant for BRCA2-related cancer predisposition based on the ACMG/AMP criteria applied as specified by the ENIGMA BRCA1/2 VCEP (PM2_Supporting, PS3, PP3, PP4).

Myriad Genetics, Inc.
Classification: Likely pathogenic for Breast-ovarian cancer, familial, susceptibility to, 2. Last evaluated: 2026-01-08. Review status: criteria provided, single submitter. Criteria: Myriad Autosomal Dominant, Autosomal Recessive and X-Linked Classification Criteria (2023). Collection method: clinical testing. Allele origin: unknown. Not counted in ClinVar's aggregate classification.
Comment: This variant is considered likely pathogenic. Functional studies indicate this variant impacts protein function [PMID: 29988080, 33293522, 29394989, 38417439, 39779848, 39779857].

Ambry Genetics
Classification: Likely pathogenic for Hereditary cancer-predisposing syndrome. Last evaluated: 2025-12-12. Review status: criteria provided, single submitter. Criteria: Ambry Variant Classification Scheme 2023. Collection method: clinical testing. Allele origin: germline. Not counted in ClinVar's aggregate classification.
Comment: The p.L2721H variant (also known as c.8162T>A), located in coding exon 17 of the BRCA2 gene, results from a T to A substitution at nucleotide position 8162. The leucine at codon 2721 is replaced by histidine, an amino acid with similar properties. In multiple assays testing BRCA2 function, this variant showed functionally abnormal results (Guidugli L et al. Am J Hum Genet, 2018 Feb;102:233-248; Hart SN et al. Genet Med, 2019 Jan;21:71-80; Mesman RLS et al. Genet Med, 2019 Feb;21:293-302; Richardson ME et al. Am J Hum Genet, 2021 Mar;108:458-468; Huang H et al. Nature, 2025 Feb;638:528-537; Sahu S et al. Nature, 2025 Feb;638:538-545). Based on internal structural analysis, this variant is anticipated to result in a decrease in structural stability (Yang H et al. Science 2002 Sep;297:1837-48; Ambry internal data). This amino acid position is not well conserved in available vertebrate species. In addition, this alteration is predicted to be deleterious by in silico analysis. This variant is considered to be rare based on population cohorts in the Genome Aggregation Database (gnomAD). Based on the majority of available evidence to date, this variant is likely to be pathogenic.

Quest Diagnostics Nichols Institute San Juan Capistrano
Classification: Likely pathogenic. Last evaluated: 2025-07-17. Review status: criteria provided, single submitter. Criteria: Quest Diagnostics criteria. Collection method: clinical testing. Allele origin: unknown. Not counted in ClinVar's aggregate classification.
Comment: In an individual with early-onset breast cancer, this variant co-occurred with a pathogenic BRCA1 nonsense variant, which suggests the BRCA2 c.8162T>A variant is not the primary cause of disease (PMID: 33287145 (2020)). Functional studies demonstrated that this variant had a damaging effect on protein function (PMID: 19043619 (2008), 29394989 (2018), 29988080 (2018), 32444794 (2020), 33293522 (2020), 33609447 (2021), 39779848 2025)). This variant has not been reported in large, multi-ethnic general populations (Genome Aggregation Database). Analysis of this variant using bioinformatics tools for the prediction of the effect of amino acid changes on protein structure and function yielded predictions that this variant is damaging. Based on the available information, this variant is classified as likely pathogenic.

Labcorp Genetics (formerly Invitae), Labcorp
Classification: Uncertain significance for Hereditary breast ovarian cancer syndrome. Last evaluated: 2024-09-30. Review status: criteria provided, single submitter. Criteria: Invitae Variant Classification Sherloc (09022015). Collection method: clinical testing. Allele origin: germline. Not counted in ClinVar's aggregate classification.
Comment: This sequence change replaces leucine, which is neutral and non-polar, with histidine, which is basic and polar, at codon 2721 of the BRCA2 protein (p.Leu2721His). This variant is not present in population databases (gnomAD no frequency). This missense change has been observed in individual(s) with clinical features of BRCA2-related conditions (PMID: 10923033, 35641994). ClinVar contains an entry for this variant (Variation ID: 52513). Invitae Evidence Modeling incorporating data from in vitro experimental studies (PMID: 33609447) indicates that this missense variant is expected to disrupt BRCA2 function with a positive predictive value of 95%. Experimental studies have shown that this missense change affects BRCA2 function (PMID: 19043619, 29394989, 29988080). In summary, the available evidence is currently insufficient to determine the role of this variant in disease. Therefore, it has been classified as a Variant of Uncertain Significance.

Color Diagnostics, LLC DBA Color Health
Classification: Uncertain significance for Hereditary cancer-predisposing syndrome. Last evaluated: 2019-04-03. Review status: criteria provided, single submitter. Criteria: ACMG Guidelines, 2015. Collection method: clinical testing. Allele origin: germline. Not counted in ClinVar's aggregate classification.

Cancer Variant Interpretation Group UK, Institute of Cancer Research, London
Classification: Likely pathogenic for Hereditary Breast and Ovarian Cancer. Last evaluated: 2018-10-10. Review status: criteria provided, single submitter. Criteria: ACMG Guidelines, 2015. Collection method: curation. Allele origin: germline. Not counted in ClinVar's aggregate classification.
Comment: Data used in classification: The frequency of this variant is 0/138,632 individuals (gnomAD) (PM2_mod). The variant is in the DNA-binding domain of BRCA2 (PM1_sup). In the VarCall Bayesian statistical model for VUS classification using functional assay data (Guidugli et al Am J Hum Genet 2018; 102:233-248, Couch Lab), the variant has a probability of being deleterious of 0.994 and an overall classification of pathogenic. (PS3_strong). Data not used in classification: There are conflicting in silico predictions of pathogenicity; AlignGVGD (class: C25), SIFT (Deleterious), Polyphen2 HumVar (probably damaging) and CADD (19.15). There are additional reports of this variant in ClinVar (3), BIC (1), and BRCA2 LOVD (1).

Breast Cancer Information Core (BIC) (BRCA2)
Classification: Uncertain significance for Breast-ovarian cancer, familial 2. Last evaluated: 2004-02-20. Review status: no assertion criteria provided. Collection method: clinical testing. Allele origin: germline. Affected: yes. Observed: 1 variant allele. Not counted in ClinVar's aggregate classification.

Literature cited by the submitters: PubMed 29988080 (cited by 4 submitters); PubMed 33293522 (cited by Myriad Genetics, Inc. and Quest Diagnostics Nichols Institute San Juan Capistrano); PubMed 29394989 (cited by 5 submitters); PubMed 38417439 (cited by Myriad Genetics, Inc.); PubMed 39779848 (cited by 3 submitters); PubMed 39779857 (cited by Myriad Genetics, Inc. and Ambry Genetics); PubMed 12228710 (cited by Ambry Genetics); PubMed 29884841 (cited by Ambry Genetics and Quest Diagnostics Nichols Institute San Juan Capistrano); PubMed 33609447 (cited by 3 submitters); PubMed 35641994 (cited by Quest Diagnostics Nichols Institute San Juan Capistrano and Labcorp Genetics (formerly Invitae), Labcorp); PubMed 32444794 (cited by Quest Diagnostics Nichols Institute San Juan Capistrano); PubMed 33287145 (cited by Quest Diagnostics Nichols Institute San Juan Capistrano); PubMed 19043619 (cited by Quest Diagnostics Nichols Institute San Juan Capistrano and Labcorp Genetics (formerly Invitae), Labcorp); PubMed 10923033 (cited by Labcorp Genetics (formerly Invitae), Labcorp).